The following is an entry in ClinVar:

NM_000051.4(ATM):c.6135C>T (p.Ala2045=)

Genes: ATM (ATM serine/threonine kinase; plus strand), C11orf65 (chromosome 11 open reading frame 65; minus strand). Cytogenetic location: 11q22.3.
Variant type: single nucleotide variant.
Coding change: c.6135C>T on transcript NM_000051.4 (MANE Select); coding-DNA position 6135, C replaced by T.
Protein change: p.Ala2045=; no amino-acid change (alanine 2045 retained).
Molecular consequence: synonymous variant. On other transcripts: intron variant (2).
Genome position (GRCh38, 1-based): chr11:108,316,050, C>T. VCF-style: chr11-108316050-C-T. GRCh37 (hg19) VCF-style: chr11-108186777-C-T.
Other names: c.6135C>T, p.Ala2045= (NM_001351834.2); c.641-6979G>A (NM_001330368.2); c.*39-6979G>A (NM_001351110.2).
Identifiers: ClinVar variation 524472 (VCV000524472.12), dbSNP rs1555113771, ClinGen allele CA476675667.
Genomic context (GRCh38, chr11:108,316,050, plus strand): 5'-TTTCACAATCTTTTCTTATAGACTACGAACATATGAACACGAAGCAATGTGGGGCAAAGC[C>T]CTAGTAACATATGACCTCGAAACAGCAATCCCCTCATCAACACGCCAGGCAGGAATCATT-3'
Protein context (NP_000042.3, residues 2035-2055): TYEHEAMWGK[Ala2045=]LVTYDLETAI

ClinVar aggregate classification (germline): Benign/Likely benign. Review status: criteria provided, multiple submitters, no conflicts (2 of 4 stars). 3 submissions from 3 submitters: Benign (1); Likely benign (2). Last evaluated 2024-06-03.

Conditions:
Hereditary cancer-predisposing syndrome. Also called: Hereditary Cancer Syndrome; Neoplastic Syndromes, Hereditary; Tumor predisposition; Hereditary neoplastic syndrome. Identifiers: Orphanet 140162, MedGen C0027672, MeSH D009386, MONDO:0015356.
Familial cancer of breast. Also called: BREAST CANCER, FAMILIAL; Hereditary breast cancer; hereditary breast carcinoma. Identifiers: Orphanet 227535, MedGen C0346153, MONDO:0016419, OMIM 114480. Disease mechanism: loss of function.
Ataxia-telangiectasia syndrome (AT). Also called: Cerebello-oculocutaneous telangiectasia; Immunodeficiency with ataxia telangiectasia; Ataxia-telangiectasia, complementation group E; Ataxia-telangiectasia, complementation group D; AT, COMPLEMENTATION GROUP C; ATAXIA-TELANGIECTASIA, COMPLEMENTATION GROUP A. Identifiers: Orphanet 100, MedGen C0004135, MONDO:0008840, OMIM 208900.

Submissions (3):

Myriad Genetics, Inc.
Classification: Benign for Familial cancer of breast. Last evaluated: 2024-06-03. Review status: criteria provided, single submitter. Criteria: Myriad Autosomal Dominant, Autosomal Recessive and X-Linked Classification Criteria (2023). Collection method: clinical testing. Allele origin: unknown.
Comment: This variant is considered benign. This variant is a silent/synonymous amino acid change and it is not expected to impact splicing.

Labcorp Genetics (formerly Invitae), Labcorp
Classification: Likely benign for Ataxia-telangiectasia syndrome. Last evaluated: 2024-05-21. Review status: criteria provided, single submitter. Criteria: Invitae Variant Classification Sherloc (09022015). Collection method: clinical testing. Allele origin: germline.

Ambry Genetics
Classification: Likely benign for Hereditary cancer-predisposing syndrome. Last evaluated: 2020-12-17. Review status: criteria provided, single submitter. Criteria: Ambry Variant Classification Scheme 2023. Collection method: clinical testing. Allele origin: germline.